The following is an entry in ClinVar:

NM_003597.5(KLF11):c.1258+3A>T

Gene: KLF11 (KLF transcription factor 11; plus strand). Cytogenetic location: 2p25.1.
Variant type: single nucleotide variant.
Coding change: c.1258+3A>T on transcript NM_003597.5 (MANE Select); 3 bases into the intron after coding-DNA position 1258, A replaced by T.
Molecular consequence: intron variant.
Genome position (GRCh38, 1-based): chr2:10,048,598, A>T. VCF-style: chr2-10048598-A-T. GRCh37 (hg19) VCF-style: chr2-10188725-A-T.
Other names: c.1207+3A>T (NM_001177716.2, NM_001177718.2).
Identifiers: ClinVar variation 3906991 (VCV003906991.1).
Genomic context (GRCh38, chr2:10,048,598, plus strand): 5'-TGCCGGAAGACCTACTTCAAAAGTTCCCACCTTAAGGCCCATCTTCGCACTCACACAGGT[A>T]AGCGCTGGGGCAGGTGGGGCATTGGGCACACCAGACCCTGTGGTTAGGAAGCACACCTTG-3'

ClinVar aggregate classification (germline): Uncertain significance (1 of 4 stars; one submission).

Conditions:
Maturity-onset diabetes of the young type 7 (MODY7). Identifiers: Orphanet 552, MedGen C1864839, MONDO:0012513, OMIM 610508.

Submission:

Foundation for Research in Genetics and Endocrinology, FRIGE's Institute of Human Genetics
Classification: Uncertain significance for Maturity-onset diabetes of the young type 7. Last evaluated: 2025-06-19. Review status: criteria provided, single submitter. Criteria: ACMG Guidelines, 2015. Collection method: clinical testing. Allele origin: germline. Inheritance: Autosomal dominant inheritance. Affected: yes. Observed: 1 heterozygote.
Comment: A heterozygous 5’ splice site proximal variant in intron 3 of the KLF11 gene that affects the position 3 nucleotides downstream of exon 3 (c.1258+3A>T) was detected. This variant has not been reported in the 1000 genomes, gnomAD (v3.1), gnomAD (v2.1) and topmed databases. The in-silico predictions of the variant is damaging by MutationTaster2. The reference base is conserved across species. In summary, the variant meets our criteria to be classified as variant of uncertain significance.